The following is an entry in ClinVar:

ClinVar aggregate classification (germline): Likely pathogenic (1 of 4 stars; one submission).

Conditions:
Deficiency of steroid 17-alpha-monooxygenase. Also called: ADRENAL HYPERPLASIA V; 17-alpha-hydroxylase/17,20-lyase deficiency; 17-ALPHA-HYDROXYLASE DEFICIENCY; Congenital adrenal hyperplasia due to 17-alpha-hydroxylase deficiency; Congenital adrenal hyperplasia type 5. Identifiers: Orphanet 90793, MedGen C0268285, MONDO:0008730, OMIM 202110.

Submission:

Natera, Inc.
Classification: Likely pathogenic for Deficiency of steroid 17-alpha-monooxygenase. Last evaluated: 2024-11-01. Review status: criteria provided, single submitter. Criteria: Natera Variant Classification Schema (03/2026). Collection method: clinical testing. Allele origin: germline.
Comment: The c.1298T>C variant in CYP17A1 is a missense variant predicted to cause substitution of leucine to serine at amino acid 433. This variant is rare in the general population with a frequency below the threshold expected for the associated phenotype(s). This variant has been observed in one or more individuals affected with the associated recessive disease, as either homozygous or compound heterozygous with a second variant (PMID: 35561789, 37316894, 35729303). Computational prediction algorithms indicate this variant is likely to affect gene or protein function. Given the available evidence, this variant is classified as Likely Pathogenic.

Literature cited by the submitters: PubMed 35561789; PubMed 37316894; PubMed 35729303.

NM_000102.4(CYP17A1):c.1298T>C (p.Leu433Ser)

Gene: CYP17A1 (cytochrome P450 family 17 subfamily A member 1; minus strand). Cytogenetic location: 10q24.32.
Variant type: single nucleotide variant.
Coding change: c.1298T>C on transcript NM_000102.4 (MANE Select); coding-DNA position 1298, T replaced by C.
Protein change: p.Leu433Ser; replaces leucine 433 with serine.
Molecular consequence: missense variant.
Genome position (GRCh38, 1-based): chr10:102,830,931, A>G on the plus strand (T>C on the coding strand, the complement: CYP17A1 is on the minus strand). VCF-style: chr10-102830931-A-G. GRCh37 (hg19) VCF-style: chr10-104590688-A-G.
Other names: short protein forms L433S.
Identifiers: ClinVar variation 4817434 (VCV004817434.2).